The following is an entry in ClinVar:

ClinVar aggregate classification (germline): Uncertain significance (1 of 4 stars; one submission).

Conditions:
Hereditary cancer-predisposing syndrome. Also called: Neoplastic Syndromes, Hereditary; Tumor predisposition; Hereditary Cancer Syndrome; Hereditary neoplastic syndrome. Identifiers: Orphanet 140162, MedGen C0027672, MeSH D009386, MONDO:0015356.

Submission:

Ambry Genetics
Classification: Uncertain significance for Hereditary cancer-predisposing syndrome. Last evaluated: 2026-04-13. Review status: criteria provided, single submitter. Criteria: Ambry Variant Classification Scheme 2023. Collection method: clinical testing. Allele origin: germline.
Comment: The p.N1217K variant (also known as c.3651T>G), located in coding exon 15 of the APC gene, results from a T to G substitution at nucleotide position 3651. The asparagine at codon 1217 is replaced by lysine, an amino acid with similar properties. This amino acid position is conserved. In addition, in silico predictors for this gene do not accurately predict pathogenicity. Based on the available evidence, the clinical significance of this variant remains unclear.

NM_000038.6(APC):c.3651T>G (p.Asn1217Lys)

Gene: APC (APC regulator of Wnt signaling pathway; plus strand). Cytogenetic location: 5q22.2.
Variant type: single nucleotide variant.
Coding change: c.3651T>G on transcript NM_000038.6 (MANE Select); coding-DNA position 3651, T replaced by G.
Protein change: p.Asn1217Lys; replaces asparagine 1217 with lysine.
Molecular consequence: missense variant. On other transcripts: non-coding transcript variant (2).
Genome position (GRCh38, 1-based): chr5:112,839,245, T>G. VCF-style: chr5-112839245-T-G. GRCh37 (hg19) VCF-style: chr5-112174942-T-G.
Other names: c.3171T>G, p.Asn1057Lys (NM_001354905.2); c.2802T>G, p.Asn934Lys (NM_001354906.2, NM_001407470.1); c.3735T>G, p.Asn1245Lys (NM_001407446.1); c.3705T>G, p.Asn1235Lys (NM_001407447.1, NM_001407448.1, NM_001407449.1 and 1 more transcripts); c.3651T>G, p.Asn1217Lys (NM_001407450.1, NM_001127510.3, NM_001354895.2); c.3630T>G, p.Asn1210Lys (NM_001407451.1); c.3621T>G, p.Asn1207Lys (NM_001407452.1); c.3474T>G, p.Asn1158Lys (NM_001407453.1, NM_001354901.2); and 11 more; short protein forms N1057K, N1088K, N1091K, N1116K, N1126K, N1134K, N1158K, N1176K.
Identifiers: ClinVar variation 4861214 (VCV004861214.1).
Genomic context (GRCh38, chr5:112,839,245, plus strand): 5'-CTCAAAGAGTTCATCTGGACAAAGCAGTAAAACCGAACATATGTCTTCAAGCAGTGAGAA[T>G]ACGTCCACACCTTCATCTAATGCCAAGAGGCAGAATCAGCTCCATCCAAGTTCTGCACAG-3'
Protein context (NP_000029.2, residues 1207-1227): KTEHMSSSSE[Asn1217Lys]TSTPSSNAKR